The following is an entry in ClinVar:

ClinVar aggregate classification (germline): Conflicting classifications of pathogenicity. Review status: criteria provided, conflicting classifications (1 of 4 stars). 5 submissions from 5 submitters: Uncertain significance (3); Likely benign (1). 1 of the submissions does not count toward it. Last evaluated 2025-10-18.

Conditions:
Inborn genetic diseases. Identifiers: MedGen C0950123, MeSH D030342.
Charcot-Marie-Tooth disease axonal type 2C (HMSN2C). Also called: Charcot-Marie-Tooth Disease Type 2, TRPV4-Related (CMT2C); CHARCOT-MARIE-TOOTH DISEASE, AXONAL, AUTOSOMAL DOMINANT, TYPE 2C; Charcot-Marie-Tooth Neuropathy Type 2C. Identifiers: Orphanet 99937, MedGen C1853710, MONDO:0011633, OMIM 606071.
Charcot-Marie-Tooth disease, type I (CMT1). Also called: Charcot-Marie-Tooth, Type 1; Charcot-Marie-Tooth disease type 1. Identifiers: Orphanet 65753, MedGen C0751036, MONDO:0019011.

Allele frequency attached by ClinVar (database versions not stated): gnomAD 0.00001 and 0.00002; gnomAD exomes 0.00002; TOPMed 0.00003; ExAC 0.00005.
gnomAD v4.1: 44 of 1,554,306 alleles (0.0028%); highest among the groups gnomAD compares: South Asian, 0.0035%; 1 homozygote.

Submissions (5):

Labcorp Genetics (formerly Invitae), Labcorp
Classification: Uncertain significance for Charcot-Marie-Tooth disease axonal type 2C. Last evaluated: 2025-10-18. Review status: criteria provided, single submitter. Criteria: Invitae Variant Classification Sherloc (09022015). Collection method: clinical testing. Allele origin: germline.
Comment: This sequence change replaces alanine, which is neutral and non-polar, with valine, which is neutral and non-polar, at codon 10 of the TRPV4 protein (p.Ala10Val). The frequency data for this variant in the population databases is considered unreliable, as metrics indicate poor data quality at this position in the gnomAD database. This variant has not been reported in the literature in individuals affected with TRPV4-related conditions. ClinVar contains an entry for this variant (Variation ID: 694837). Invitae Evidence Modeling of protein sequence and biophysical properties (such as structural, functional, and spatial information, amino acid conservation, physicochemical variation, residue mobility, and thermodynamic stability) indicates that this missense variant is not expected to disrupt TRPV4 protein function with a negative predictive value of 95%. In summary, the available evidence is currently insufficient to determine the role of this variant in disease. Therefore, it has been classified as a Variant of Uncertain Significance.

Blueprint Genetics
Classification: Likely benign. Last evaluated: 2024-09-16. Review status: criteria provided, single submitter. Criteria: ACMG Guidelines, 2015. Collection method: clinical testing. Allele origin: germline.

CeGaT Center for Human Genetics Tuebingen
Classification: Uncertain significance. Last evaluated: 2022-12-01. Review status: criteria provided, single submitter. Criteria: CeGaT Center For Human Genetics Tuebingen Variant Classification Criteria Version 2. Collection method: clinical testing. Allele origin: germline. Affected: yes. Observed: 3 variant alleles.

Ambry Genetics
Classification: Uncertain significance for Inborn genetic diseases. Last evaluated: 2021-04-19. Review status: criteria provided, single submitter. Criteria: Ambry Variant Classification Scheme 2023. Collection method: clinical testing. Allele origin: germline.
Comment: The p.A10V variant (also known as c.29C>T), located in coding exon 1 of the TRPV4 gene, results from a C to T substitution at nucleotide position 29. The alanine at codon 10 is replaced by valine, an amino acid with similar properties. This amino acid position is poorly conserved in available vertebrate species. In addition, this alteration is predicted to be tolerated by in silico analysis. Since supporting evidence is limited at this time, the clinical significance of this alteration remains unclear.

Genesis Genome Database
Classification: Uncertain significance for Charcot-Marie-Tooth disease, type I. Last evaluated: 2019-08-14. Review status: no assertion criteria provided. Collection method: research. Allele origin: germline. Affected: yes. Not counted in ClinVar's aggregate classification.

NM_021625.5(TRPV4):c.29C>T (p.Ala10Val)

Gene: TRPV4 (transient receptor potential cation channel subfamily V member 4; minus strand). Cytogenetic location: 12q24.11.
Variant type: single nucleotide variant.
Coding change: c.29C>T on transcript NM_021625.5 (MANE Select); coding-DNA position 29, C replaced by T.
Protein change: p.Ala10Val; replaces alanine 10 with valine.
Molecular consequence: missense variant.
Genome position (GRCh38, 1-based): chr12:109,814,768, G>A on the plus strand (C>T on the coding strand, the complement: TRPV4 is on the minus strand). VCF-style: chr12-109814768-G-A. GRCh37 (hg19) VCF-style: chr12-110252573-G-A.
Other names: c.29C>T, p.Ala10Val (NM_001177428.2, NM_001177431.2, NM_001177433.2 and 1 more transcripts); short protein forms A10V.
Identifiers: ClinVar variation 694837 (VCV000694837.37), dbSNP rs772563295, ClinGen allele CA6780635.